The following is an entry in ClinVar:

ClinVar aggregate classification (germline): Likely pathogenic (1 of 4 stars; one submission).

Submission:

Labcorp Genetics (formerly Invitae), Labcorp
Classification: Likely pathogenic. Last evaluated: 2023-01-10. Review status: criteria provided, single submitter. Criteria: Invitae Variant Classification Sherloc (09022015). Collection method: clinical testing. Allele origin: germline.
Comment: This variant results in the deletion of exons 8-22 and part of exon 7 (c.609_2059+4405delinsCCCTAAATAAAT) of the TBCK gene. It is expected to disrupt RNA splicing. Variants that disrupt the donor or acceptor splice site typically lead to a loss of protein function (PMID: 16199547), and loss-of-function variants in TBCK are known to be pathogenic (PMID: 27040692, 30103036). In summary, the currently available evidence indicates that the variant is pathogenic, but additional data are needed to prove that conclusively. Therefore, this variant has been classified as Likely Pathogenic. This variant disrupts a region of the TBCK protein in which other variant(s) (p.Arg511His) have been observed in individuals with TBCK-related conditions (PMID: 27040692). This suggests that this is a clinically significant region of the protein, and that variants that disrupt it are likely to be disease-causing. This variant has not been reported in the literature in individuals affected with TBCK-related conditions.

Literature cited by the submitters: PubMed 16199547; PubMed 27040692; PubMed 30103036.

NC_000004.11:g.(?_107110361)_(107171624_?)del

Gene: TBCK (TBC1 domain containing kinase; minus strand). Cytogenetic location: 4q24.
Variant type: Deletion.
Identifiers: ClinVar variation 2423900 (VCV002423900.3).